The following is an entry in ClinVar:

NM_152268.4(PARS2):c.704A>G (p.Asn235Ser)

Gene: PARS2 (prolyl-tRNA synthetase 2, mitochondrial; minus strand). Cytogenetic location: 1p32.3.
Variant type: single nucleotide variant.
Coding change: c.704A>G on transcript NM_152268.4 (MANE Select); coding-DNA position 704, A replaced by G.
Protein change: p.Asn235Ser; replaces asparagine 235 with serine.
Molecular consequence: missense variant.
Genome position (GRCh38, 1-based): chr1:54,758,458, T>C on the plus strand (A>G on the coding strand, the complement: PARS2 is on the minus strand). VCF-style: chr1-54758458-T-C. GRCh37 (hg19) VCF-style: chr1-55224131-T-C.
Other names: p.Asn235Ser; short protein forms N235S.
Identifiers: ClinVar variation 380003 (VCV000380003.15), dbSNP rs2270004, ClinGen allele CA869424.

ClinVar aggregate classification (germline): Benign. Review status: criteria provided, multiple submitters, no conflicts (2 of 4 stars). 6 submissions from 6 submitters: Benign (6). Last evaluated 2026-02-01.

Allele frequency attached by ClinVar (database versions not stated): ESP Exome Variant Server 0.14324; TOPMed 0.14657; gnomAD 0.15110 and 0.15291; 1000 Genomes Project 30x 0.15412; gnomAD exomes 0.15526 and 0.15602; 1000 Genomes Project 0.15935; ExAC 0.16087.
gnomAD v4.1: 250,263 of 1,613,830 alleles (16%); highest among the groups gnomAD compares: South Asian, 19%; 19,963 homozygotes.

Submissions (6):

Labcorp Genetics (formerly Invitae), Labcorp
Classification: Benign. Last evaluated: 2026-02-01. Review status: criteria provided, single submitter. Criteria: Invitae Variant Classification Sherloc (09022015). Collection method: clinical testing. Allele origin: germline.

Blueprint Genetics
Classification: Benign. Last evaluated: 2024-11-26. Review status: criteria provided, single submitter. Criteria: ACMG Guidelines, 2015. Collection method: clinical testing. Allele origin: germline.

Unidad de Genómica Garrahan, Hospital de Pediatría Garrahan
Classification: Benign. Last evaluated: 2024-07-31. Review status: criteria provided, single submitter. Criteria: ACMG Guidelines, 2015. Collection method: clinical testing. Allele origin: germline. Affected: no. Observed: 23 variant alleles.
Comment: This variant is classified as Benign based on local population frequency. This variant was detected in 25% of patients studied in a panel designed for Epileptic and Developmental Encephalopathy, Progressive Myoclonus Epilepsy and Abnormal Movements and Neurodegeneration with brain iron accumulation. Number of patients: 23. Only high quality variants are reported.

Mayo Clinic Laboratories, Mayo Clinic
Classification: Benign. Last evaluated: 2022-10-27. Review status: criteria provided, single submitter. Criteria: ACMG Guidelines, 2015. Collection method: clinical testing. Allele origin: germline. Observed: 62 variant alleles.

GeneDx
Classification: Benign. Last evaluated: 2016-01-18. Review status: criteria provided, single submitter. Criteria: GeneDx Variant Classification (06012015). Collection method: clinical testing. Allele origin: germline. Affected: yes.
Comment: This variant is considered likely benign or benign based on one or more of the following criteria: it is a conservative change, it occurs at a poorly conserved position in the protein, it is predicted to be benign by multiple in silico algorithms, and/or has population frequency not consistent with disease.

Breakthrough Genomics
Classification: Benign. Review status: criteria provided, single submitter. Criteria: ACMG Guidelines, 2015. Collection method: not provided. Allele origin: germline. Inheritance: Autosomal recessive inheritance. Affected: yes.